The following is an entry in ClinVar:

ClinVar aggregate classification (germline): Uncertain significance (1 of 4 stars; one submission).

Conditions:
Gorlin syndrome. Also called: Nevoid Basal Cell Carcinoma Syndrome; Basal cell nevus syndrome. Identifiers: Orphanet 377, MedGen C0004779, MONDO:0007187.
Medulloblastoma (MDB). Also called: MEDULLOBLASTOMA PREDISPOSITION SYNDROME; Medulloblastoma, somatic. Identifiers: Orphanet 616, MedGen C0025149, MeSH D008527, MONDO:0007959, OMIM 155255, HP:0002885.

Submission:

Labcorp Genetics (formerly Invitae), Labcorp
Classification: Uncertain significance for Gorlin syndrome; Medulloblastoma. Last evaluated: 2023-06-23. Review status: criteria provided, single submitter. Criteria: Invitae Variant Classification Sherloc (09022015). Collection method: clinical testing. Allele origin: germline.
Comment: This sequence change replaces serine, which is neutral and polar, with asparagine, which is neutral and polar, at codon 270 of the SUFU protein (p.Ser270Asn). This variant is not present in population databases (gnomAD no frequency). This variant has not been reported in the literature in individuals affected with SUFU-related conditions. Advanced modeling of protein sequence and biophysical properties (such as structural, functional, and spatial information, amino acid conservation, physicochemical variation, residue mobility, and thermodynamic stability) performed at Invitae indicates that this missense variant is not expected to disrupt SUFU protein function. In summary, the available evidence is currently insufficient to determine the role of this variant in disease. Therefore, it has been classified as a Variant of Uncertain Significance.

NM_016169.4(SUFU):c.809G>A (p.Ser270Asn)

Gene: SUFU (SUFU negative regulator of hedgehog signaling; plus strand). Cytogenetic location: 10q24.32.
Variant type: single nucleotide variant.
Coding change: c.809G>A on transcript NM_016169.4 (MANE Select); coding-DNA position 809, G replaced by A.
Protein change: p.Ser270Asn; replaces serine 270 with asparagine.
Molecular consequence: missense variant.
Genome position (GRCh38, 1-based): chr10:102,597,192, G>A. VCF-style: chr10-102597192-G-A. GRCh37 (hg19) VCF-style: chr10-104356949-G-A.
Other names: c.809G>A, p.Ser270Asn (NM_001178133.2); short protein forms S270N.
Identifiers: ClinVar variation 2949183 (VCV002949183.3), dbSNP rs2135881337, ClinGen allele CA377910430.